The following is an entry in ClinVar:

ClinVar aggregate classification (germline): Uncertain significance (1 of 4 stars; one submission).

gnomAD v4.1: 32 of 1,599,714 alleles (0.002%); highest among the groups gnomAD compares: Non-Finnish European, 0.0026%; no homozygotes.

Submission:

Ambry Genetics
Classification: Uncertain significance. Last evaluated: 2024-11-09. Review status: criteria provided, single submitter. Criteria: Ambry Variant Classification Scheme 2023. Collection method: clinical testing. Allele origin: germline.
Comment: The p.M2078K variant (also known as c.6233T>A), located in coding exon 20 of the POLQ gene, results from a T to A substitution at nucleotide position 6233. The methionine at codon 2078 is replaced by lysine, an amino acid with similar properties. This amino acid position is conserved. In addition, this alteration is predicted to be deleterious by in silico analysis. Since supporting evidence is limited at this time, the clinical significance of this alteration remains unclear.

NM_199420.4(POLQ):c.6233T>A (p.Met2078Lys)

Gene: POLQ (DNA polymerase theta; minus strand). Cytogenetic location: 3q13.33.
Variant type: single nucleotide variant.
Coding change: c.6233T>A on transcript NM_199420.4 (MANE Select); coding-DNA position 6233, T replaced by A.
Protein change: p.Met2078Lys; replaces methionine 2078 with lysine.
Molecular consequence: missense variant.
Genome position (GRCh38, 1-based): chr3:121,476,712, A>T on the plus strand (T>A on the coding strand, the complement: POLQ is on the minus strand). VCF-style: chr3-121476712-A-T. GRCh37 (hg19) VCF-style: chr3-121195559-A-T.
Other names: short protein forms M2078K.
Identifiers: ClinVar variation 1752353 (VCV001752353.3), dbSNP rs376947965, ClinGen allele CA81828911.